The following is an entry in ClinVar:

ClinVar aggregate classification (germline): Uncertain significance (1 of 4 stars; one submission).

Allele frequency attached by ClinVar (database versions not stated): gnomAD exomes below 0.00001; ExAC 0.00002; gnomAD 0.00004; TOPMed 0.00005.
gnomAD v4.1: 7 of 1,613,976 alleles (0.00043%); highest among the groups gnomAD compares: African/African-American, 0.0093%; no homozygotes.

Submission:

Labcorp Genetics (formerly Invitae), Labcorp
Classification: Uncertain significance. Last evaluated: 2025-06-12. Review status: criteria provided, single submitter. Criteria: Invitae Variant Classification Sherloc (09022015). Collection method: clinical testing. Allele origin: germline.
Comment: This sequence change replaces glutamic acid, which is acidic and polar, with glutamine, which is neutral and polar, at codon 978 of the KANK4 protein (p.Glu978Gln). This variant is present in population databases (rs780091111, gnomAD 0.01%). This variant has not been reported in the literature in individuals affected with KANK4-related conditions. ClinVar contains an entry for this variant (Variation ID: 2190732). An algorithm developed to predict the effect of missense changes on protein structure and function (PolyPhen-2) suggests that this variant is likely to be disruptive. In summary, the available evidence is currently insufficient to determine the role of this variant in disease. Therefore, it has been classified as a Variant of Uncertain Significance.

NM_181712.5(KANK4):c.2932G>C (p.Glu978Gln)

Gene: KANK4 (KN motif and ankyrin repeat domains 4; minus strand). Cytogenetic location: 1p31.3.
Variant type: single nucleotide variant.
Coding change: c.2932G>C on transcript NM_181712.5 (MANE Select); coding-DNA position 2932, G replaced by C.
Protein change: p.Glu978Gln; replaces glutamic acid 978 with glutamine.
Molecular consequence: missense variant.
Genome position (GRCh38, 1-based): chr1:62,238,333, C>G on the plus strand (G>C on the coding strand, the complement: KANK4 is on the minus strand). VCF-style: chr1-62238333-C-G. GRCh37 (hg19) VCF-style: chr1-62704005-C-G.
Other names: c.1048G>C, p.Glu350Gln (NM_001320269.2); short protein forms E350Q, E978Q.
Identifiers: ClinVar variation 2190732 (VCV002190732.4), dbSNP rs780091111, ClinGen allele CA883937.